The following is an entry in ClinVar:

NM_152424.4(AMER1):c.2678G>A (p.Ser893Asn)

Gene: AMER1 (APC membrane recruitment protein 1; minus strand). Cytogenetic location: Xq11.2.
Variant type: single nucleotide variant.
Coding change: c.2678G>A on transcript NM_152424.4 (MANE Select); coding-DNA position 2678, G replaced by A.
Protein change: p.Ser893Asn; replaces serine 893 with asparagine.
Molecular consequence: missense variant.
Genome position (GRCh38, 1-based): chrX:64,190,609, C>T on the plus strand (G>A on the coding strand, the complement: AMER1 is on the minus strand). VCF-style: chrX-64190609-C-T. GRCh37 (hg19) VCF-style: chrX-63410489-C-T.
Other names: short protein forms S893N.
Identifiers: ClinVar variation 2865955 (VCV002865955.3), dbSNP rs2147085537, ClinGen allele CA413302434.

ClinVar aggregate classification (germline): Uncertain significance (1 of 4 stars; one submission).

Submission:

Labcorp Genetics (formerly Invitae), Labcorp
Classification: Uncertain significance. Last evaluated: 2023-05-19. Review status: criteria provided, single submitter. Criteria: Invitae Variant Classification Sherloc (09022015). Collection method: clinical testing. Allele origin: germline.
Comment: In summary, the available evidence is currently insufficient to determine the role of this variant in disease. Therefore, it has been classified as a Variant of Uncertain Significance. An algorithm developed to predict the effect of missense changes on protein structure and function (PolyPhen-2) suggests that this variant is likely to be disruptive. This variant has not been reported in the literature in individuals affected with AMER1-related conditions. This variant is not present in population databases (gnomAD no frequency). This sequence change replaces serine, which is neutral and polar, with asparagine, which is neutral and polar, at codon 893 of the AMER1 protein (p.Ser893Asn).